The following is an entry in ClinVar:

ClinVar aggregate classification (germline): Uncertain significance (1 of 4 stars; one submission).

Submission:

GeneDx
Classification: Uncertain significance. Last evaluated: 2022-06-13. Review status: criteria provided, single submitter. Criteria: GeneDx Variant Classification Process June 2021. Collection method: clinical testing. Allele origin: germline. Affected: yes.
Comment: Not observed at significant frequency in large population cohorts (gnomAD); In silico analysis supports that this missense variant has a deleterious effect on protein structure/function; Has not been previously published as pathogenic or benign to our knowledge

NM_000875.5(IGF1R):c.4065C>G (p.Asn1355Lys)

Gene: IGF1R (insulin like growth factor 1 receptor; plus strand). Cytogenetic location: 15q26.3.
Variant type: single nucleotide variant.
Coding change: c.4065C>G on transcript NM_000875.5 (MANE Select); coding-DNA position 4065, C replaced by G.
Protein change: p.Asn1355Lys; replaces asparagine 1355 with lysine.
Molecular consequence: missense variant.
Genome position (GRCh38, 1-based): chr15:98,957,403, C>G. VCF-style: chr15-98957403-C-G. GRCh37 (hg19) VCF-style: chr15-99500632-C-G.
Other names: c.4062C>G, p.Asn1354Lys (NM_001291858.2); short protein forms N1354K, N1355K.
Identifiers: ClinVar variation 1804357 (VCV001804357.1), dbSNP rs45453791, ClinGen allele CA393669933.